The following is an entry in ClinVar:

ClinVar aggregate classification (germline): Conflicting classifications of pathogenicity. Review status: criteria provided, conflicting classifications (1 of 4 stars). 4 submissions from 4 submitters: Uncertain significance (3); Likely benign (1). Last evaluated 2025-04-14.

Conditions:
Inborn genetic diseases. Identifiers: MedGen C0950123, MeSH D030342.
Autosomal dominant intellectual disability-craniofacial anomalies-cardiac defects syndrome (ARTHS). Also called: Mental retardation, autosomal dominant 32; Arboleda-Tham syndrome; KAT6A syndrome. Identifiers: Orphanet 457193, MedGen C4225396, MONDO:0014558, OMIM 616268.

Submissions (4):

Labcorp Genetics (formerly Invitae), Labcorp
Classification: Likely benign. Last evaluated: 2025-04-14. Review status: criteria provided, single submitter. Criteria: Invitae Variant Classification Sherloc (09022015). Collection method: clinical testing. Allele origin: germline.

Blueprint Genetics
Classification: Uncertain significance. Last evaluated: 2024-10-28. Review status: criteria provided, single submitter. Criteria: ACMG Guidelines, 2015. Collection method: clinical testing. Allele origin: germline.

Baylor Genetics
Classification: Uncertain significance for Autosomal dominant intellectual disability-craniofacial anomalies-cardiac defects syndrome. Last evaluated: 2018-04-18. Review status: criteria provided, single submitter. Criteria: ACMG Guidelines, 2015. Collection method: clinical testing. Allele origin: maternal. Affected: yes.
Comment: This variant was determined to be of uncertain significance according to ACMG Guidelines, 2015 [PMID:25741868].

Ambry Genetics
Classification: Uncertain significance for Inborn genetic diseases. Last evaluated: 2016-12-19. Review status: criteria provided, single submitter. Criteria: Ambry Variant Classification Scheme 2023. Collection method: clinical testing. Allele origin: germline.
Comment: The c.4779_4781delGTC variant (also known as p.S1597DEL) is located in coding exon 16 of the KAT6A gene. This variant results from an in-frame GTC deletion at nucleotide positions 4779 to 4781. This results in the in-frame deletion of a serine at codon 1597. This variant was not reported in population based cohorts in the following databases: Database of Single Nucleotide Since clinical data on this variant is limited at this time, its clinical significance is unclear.Polymorphisms (dbSNP), NHLBI Exome Sequencing Project (ESP), and 1000 Genomes Project. In the ESP, this variant was not observed in 6503 samples (13006 alleles) with coverage at this position. This nucleotide position is well conserved in available vertebrate species. Using the BDGP and ESEfinder splice site prediction tools, this alteration is not predicted to have any significant effect on this splice donor site; however, direct evidence is unavailable. Since clinical data on this variant is limited at this time, its clinical significance is unclear.

NM_006766.5(KAT6A):c.4776GTC[1] (p.Ser1597del)

Gene: KAT6A (lysine acetyltransferase 6A; minus strand). Cytogenetic location: 8p11.21.
Variant type: Microsatellite.
Coding change: c.4776GTC[1] on transcript NM_006766.5 (MANE Select); one copy of the 3-base unit GTC starting at c.4776; the reference has two copies in a row; one copy, 3 bases deleted.
Protein change: p.Ser1597del; deletes serine 1597.
Molecular consequence: inframe deletion.
Genome position (GRCh38, 1-based): chr8:41,933,439-41,933,441, GAC deleted on the plus strand (GTC on the coding strand, the reverse complement: KAT6A is on the minus strand); deleting any 3 consecutive bases within chr8:41,933,439-41,933,444 gives the same sequence; the position shown is the placement nearest the transcript's 3' end. VCF-style (leftmost placement, unchanged base first): chr8-41933438-GGAC-G. GRCh37 (hg19) VCF-style: chr8-41790956-GGAC-G.
Other names: short protein forms S1597del.
Identifiers: ClinVar variation 588522 (VCV000588522.12), dbSNP rs779024326, ClinGen allele CA4729429.